The following is an entry in ClinVar:

NM_004364.5(CEBPA):c.827A>G (p.Lys276Arg)

Gene: CEBPA (CCAAT enhancer binding protein alpha; minus strand). Cytogenetic location: 19q13.11.
Variant type: single nucleotide variant.
Coding change: c.827A>G on transcript NM_004364.5 (MANE Select); coding-DNA position 827, A replaced by G.
Protein change: p.Lys276Arg; replaces lysine 276 with arginine.
Molecular consequence: missense variant.
Genome position (GRCh38, 1-based): chr19:33,301,588, T>C on the plus strand (A>G on the coding strand, the complement: CEBPA is on the minus strand). VCF-style: chr19-33301588-T-C. GRCh37 (hg19) VCF-style: chr19-33792494-T-C.
Other names: c.470A>G, p.Lys157Arg (NM_001285829.2); c.932A>G, p.Lys311Arg (NM_001287424.2); c.785A>G, p.Lys262Arg (NM_001287435.2); c.827A>G (NM_004364.3); short protein forms K276R, K157R, K262R, K311R.
Identifiers: ClinVar variation 456705 (VCV000456705.21), dbSNP rs201061067, ClinGen allele CA9363684.
Genomic context (GRCh38, chr19:33,301,588, plus strand): 5'-ACCGCGATGTTGTTGCGCTCGCGCCGCACCCGGTACTCGTTGCTGTTCTTGTCCACCGAC[T>C]TCTTGGCCTTGCCCGCGCCGCTGCCGCCACTCGCGCGGAGGTCGGGGTGCGCGGCGCCCA-3'
Protein context (NP_004355.2, residues 266-286): SGGSGAGKAK[Lys276Arg]SVDKNSNEYR

ClinVar aggregate classification (germline): Conflicting classifications of pathogenicity. Review status: criteria provided, conflicting classifications (1 of 4 stars). 4 submissions from 4 submitters: Uncertain significance (3); Benign (1). Last evaluated 2025-12-28.

Conditions:
Inborn genetic diseases. Identifiers: MedGen C0950123, MeSH D030342.
Acute myeloid leukemia (AML). Also called: Leukemia, acute myeloid, somatic; Leukemia, acute myelogenous, somatic; Acute myeloid leukemia, adult; AML adult; Acute non-lymphocytic leukemia; Acute granulocytic leukemia. Identifiers: Orphanet 519, MedGen C0023467, MeSH D015470, MONDO:0018874, OMIM 601626, HP:0004808. Disease mechanism: Constitutively activated FLT3.

Allele frequency attached by ClinVar (database versions not stated): gnomAD exomes 0.00004 and 0.00013; ExAC 0.00005; gnomAD 0.00006; TOPMed 0.00008.
gnomAD v4.1: 200 of 1,608,950 alleles (0.012%); highest among the groups gnomAD compares: Non-Finnish European, 0.016%; no homozygotes.

Submissions (4):

Labcorp Genetics (formerly Invitae), Labcorp
Classification: Uncertain significance for Acute myeloid leukemia. Last evaluated: 2025-12-28. Review status: criteria provided, single submitter. Criteria: Invitae Variant Classification Sherloc (09022015). Collection method: clinical testing. Allele origin: germline.
Comment: This sequence change replaces lysine, which is basic and polar, with arginine, which is basic and polar, at codon 276 of the CEBPA protein (p.Lys276Arg). This variant is present in population databases (rs201061067, gnomAD 0.01%). This variant has not been reported in the literature in individuals affected with CEBPA-related conditions. ClinVar contains an entry for this variant (Variation ID: 456705). Invitae Evidence Modeling of protein sequence and biophysical properties (such as structural, functional, and spatial information, amino acid conservation, physicochemical variation, residue mobility, and thermodynamic stability) indicates that this missense variant is not expected to disrupt CEBPA protein function with a negative predictive value of 80%. In summary, the available evidence is currently insufficient to determine the role of this variant in disease. Therefore, it has been classified as a Variant of Uncertain Significance.

GeneDx
Classification: Uncertain significance. Last evaluated: 2025-04-25. Review status: criteria provided, single submitter. Criteria: GeneDx Variant Classification Process June 2021. Collection method: clinical testing. Allele origin: germline. Affected: yes.
Comment: In silico analysis supports that this missense variant has a deleterious effect on protein structure/function; Has not been previously published as a germline pathogenic or benign variant to our knowledge; This variant is associated with the following publications: (PMID: 29025912)

Ambry Genetics
Classification: Benign for Inborn genetic diseases. Last evaluated: 2024-08-20. Review status: criteria provided, single submitter. Criteria: Ambry Variant Classification Scheme 2023. Collection method: clinical testing. Allele origin: germline.

Baylor Genetics
Classification: Uncertain significance for Acute myeloid leukemia. Last evaluated: 2019-09-25. Review status: criteria provided, single submitter. Criteria: ACMG Guidelines, 2015. Collection method: clinical testing. Allele origin: unknown. Affected: yes. Study: CSER-TexasKidsCanSeq.
Comment: This variant was determined to be of uncertain significance according to ACMG Guidelines, 2015 [PMID:25741868].